The following is an entry in ClinVar:

NM_006060.6(IKZF1):c.548G>A (p.Arg183His)

Gene: IKZF1 (IKAROS family zinc finger 1; plus strand). Cytogenetic location: 7p12.2.
Variant type: single nucleotide variant.
Coding change: c.548G>A on transcript NM_006060.6 (MANE Select); coding-DNA position 548, G replaced by A.
Protein change: p.Arg183His; replaces arginine 183 with histidine.
Molecular consequence: missense variant. On other transcripts: intron variant (6).
Genome position (GRCh38, 1-based): chr7:50,382,666, G>A. VCF-style: chr7-50382666-G-A. GRCh37 (hg19) VCF-style: chr7-50450364-G-A.
Other names: c.421+5873G>A (NM_001220771.2); c.161-4679G>A (NM_001291841.1, NM_001291842.1); c.161-9063G>A (NM_001291843.1, NM_001291844.1); c.161-17252G>A (NM_001291840.1); c.548G>A, p.Arg183His (NM_001220765.3, NM_001220768.2, NM_001291837.2); c.287G>A, p.Arg96His (NM_001220767.2, NM_001220770.2, NM_001291838.2 and 1 more transcripts); short protein forms R183H, R96H.
Identifiers: ClinVar variation 977104 (VCV000977104.9), dbSNP rs1812172495, ClinGen allele CA367531407.

ClinVar aggregate classification (germline): Conflicting classifications of pathogenicity. Review status: criteria provided, conflicting classifications (1 of 4 stars). 3 submissions from 3 submitters: Likely pathogenic (1); Uncertain significance (2). Last evaluated 2025-03-28.

Conditions:
Pancytopenia due to IKZF1 mutations. Also called: Immunodeficiency, common variable, 13. Identifiers: Orphanet 317473, MedGen C4225173, MONDO:0014810, OMIM 616873.

Submissions (3):

Labcorp Genetics (formerly Invitae), Labcorp
Classification: Uncertain significance. Last evaluated: 2025-03-28. Review status: criteria provided, single submitter. Criteria: Invitae Variant Classification Sherloc (09022015). Collection method: clinical testing. Allele origin: germline.
Comment: This sequence change replaces arginine, which is basic and polar, with histidine, which is basic and polar, at codon 183 of the IKZF1 protein (p.Arg183His). This variant is not present in population databases (gnomAD no frequency). This missense change has been observed in individual(s) with Evans syndrome or clinical features of IKZF1-related conditions (PMID: 30940614, 35333544, 38129715, 38320737). ClinVar contains an entry for this variant (Variation ID: 977104). Algorithms developed to predict the effect of variants on gene product structure and function are not available or were not evaluated for this variant. Experimental studies have shown that this missense change affects IKZF1 function (PMID: 35333544). In summary, the available evidence is currently insufficient to determine the role of this variant in disease. Therefore, it has been classified as a Variant of Uncertain Significance.

Laboratorio de Genetica e Diagnostico Molecular, Hospital Israelita Albert Einstein
Classification: Uncertain significance for Pancytopenia due to IKZF1 mutations. Last evaluated: 2022-12-09. Review status: criteria provided, single submitter. Criteria: ACMG Guidelines, 2015. Collection method: clinical testing. Allele origin: germline. Affected: yes. Observed: 1 variant allele.
Comment: ACMG classification criteria: PS4 supporting, PM2 moderated, PP2 supporting

Johns Hopkins Genomics, Johns Hopkins University
Classification: Likely pathogenic for Pancytopenia due to IKZF1 mutations. Last evaluated: 2020-07-07. Review status: criteria provided, single submitter. Criteria: ACMG Guidelines, 2015. Collection method: clinical testing. Allele origin: germline.
Comment: This IKZF1 variant is absent from a large population dataset, and has not be reported to ClinVar nor the literature to our knowledge. Three bioinformatic tools queried predict that this substitution would be damaging. The arginine residue at this position is evolutionarily conserved across all species assessed and is located in the third zinc finger (ZF3) of the Ikaros DNA-binding domain where other disease-associated variants have been identified. As this variant is apparently de novo and consistent with the patient's clinical findings, we consider c.548G>A to be likely pathogenic.

Literature cited by the submitters: PubMed 30940614 (cited by Labcorp Genetics (formerly Invitae), Labcorp); PubMed 35333544 (cited by Labcorp Genetics (formerly Invitae), Labcorp); PubMed 38129715 (cited by Labcorp Genetics (formerly Invitae), Labcorp); PubMed 38320737 (cited by Labcorp Genetics (formerly Invitae), Labcorp); PubMed 26981933 (cited by Johns Hopkins Genomics, Johns Hopkins University); PubMed 27939403 (cited by Johns Hopkins Genomics, Johns Hopkins University); PubMed 28927821 (cited by Johns Hopkins Genomics, Johns Hopkins University); PubMed 31057532 (cited by Johns Hopkins Genomics, Johns Hopkins University); PubMed 31089937 (cited by Johns Hopkins Genomics, Johns Hopkins University).